The following is an entry in ClinVar:

ClinVar aggregate classification (germline): Uncertain significance (1 of 4 stars; one submission).

Conditions:
Aspartylglucosaminuria (AGU). Also called: Aspartylglucos-aminuria; Aspartylglucos-amidase (AGA) deficiency; AGA DEFICIENCY; GLYCOASPARAGINASE; GLYCOSYLASPARAGINASE DEFICIENCY. Identifiers: Orphanet 93, MedGen C0268225, MONDO:0008830, OMIM 208400, HP:0012068.

Allele frequency attached by ClinVar (database versions not stated): gnomAD exomes below 0.00001; gnomAD 0.00001; TOPMed 0.00001; ExAC 0.00002.
gnomAD v4.1: 8 of 1,613,656 alleles (0.0005%); highest among the groups gnomAD compares: East Asian, 0.0022%; no homozygotes.

Submission:

Labcorp Genetics (formerly Invitae), Labcorp
Classification: Uncertain significance for Aspartylglucosaminuria. Last evaluated: 2022-07-02. Review status: criteria provided, single submitter. Criteria: Invitae Variant Classification Sherloc (09022015). Collection method: clinical testing. Allele origin: germline.
Comment: This sequence change replaces arginine, which is basic and polar, with histidine, which is basic and polar, at codon 234 of the AGA protein (p.Arg234His). This variant is present in population databases (rs747683614, gnomAD 0.004%). This variant has not been reported in the literature in individuals affected with AGA-related conditions. Algorithms developed to predict the effect of missense changes on protein structure and function (SIFT, PolyPhen-2, Align-GVGD) all suggest that this variant is likely to be disruptive. In summary, the available evidence is currently insufficient to determine the role of this variant in disease. Therefore, it has been classified as a Variant of Uncertain Significance.

NM_000027.4(AGA):c.701G>A (p.Arg234His)

Gene: AGA (aspartylglucosaminidase; minus strand). Cytogenetic location: 4q34.3.
Variant type: single nucleotide variant.
Coding change: c.701G>A on transcript NM_000027.4 (MANE Select); coding-DNA position 701, G replaced by A.
Protein change: p.Arg234His; replaces arginine 234 with histidine.
Molecular consequence: missense variant. On other transcripts: non-coding transcript variant (1), intron variant (1).
Genome position (GRCh38, 1-based): chr4:177,434,487, C>T on the plus strand (G>A on the coding strand, the complement: AGA is on the minus strand). VCF-style: chr4-177434487-C-T. GRCh37 (hg19) VCF-style: chr4-178355641-C-T.
Other names: c.677-6G>A (NM_001171988.2); short protein forms R234H.
Identifiers: ClinVar variation 2043406 (VCV002043406.1), dbSNP rs747683614, ClinGen allele CA3146823.